The following is an entry in ClinVar:

NM_004531.5(MOCS2):c.182_185del (p.Gln61fs)

Gene: MOCS2 (molybdenum cofactor synthesis 2; minus strand). Cytogenetic location: 5q11.2.
Variant type: Deletion.
Coding change: c.182_185del on transcript NM_004531.5 (MANE Select); coding-DNA positions 182 to 185, 4 bases deleted (AGTT; older notation c.182_185delAGTT).
Protein change: p.Gln61fs; shifts the reading frame from glutamine 61.
Molecular consequence: frameshift variant. On other transcripts: 3 prime UTR variant (1).
Genome position (GRCh38, 1-based): chr5:53,102,138-53,102,141, AACT deleted on the plus strand (AGTT on the coding strand, the reverse complement: MOCS2 is on the minus strand). VCF-style (leftmost placement, unchanged base first): chr5-53102137-CAACT-C. GRCh37 (hg19) VCF-style: chr5-52397967-CAACT-C.
Other names: c.*102_*105del (NM_176806.4); short protein forms Q61fs.
Identifiers: ClinVar variation 3592706 (VCV003592706.3).

ClinVar aggregate classification (germline): Pathogenic/Likely pathogenic. Review status: criteria provided, multiple submitters, no conflicts (2 of 4 stars). 2 submissions from 2 submitters: Pathogenic (1); Likely pathogenic (1). Last evaluated 2024-04-27.

Conditions:
Sulfite oxidase deficiency due to molybdenum cofactor deficiency type B1 (MOCODB1). Also called: Molybdenum cofactor deficiency, complementation group B; Sulfite oxidase deficiency due to molybdenum cofactor deficiency type B; Molybdenum cofactor deficiency B; MOLYBDENUM COFACTOR DEFICIENCY, TYPE B1. Identifiers: Orphanet 308393, Orphanet 833, MedGen C6065887, MONDO:0009644, OMIM 252160.

Submissions (2):

Fulgent Genetics
Classification: Likely pathogenic for Sulfite oxidase deficiency due to molybdenum cofactor deficiency type B1. Last evaluated: 2024-04-27. Review status: criteria provided, single submitter. Criteria: ACMG Guidelines, 2015. Collection method: clinical testing. Allele origin: germline.

Labcorp Genetics (formerly Invitae), Labcorp
Classification: Pathogenic. Last evaluated: 2024-02-27. Review status: criteria provided, single submitter. Criteria: Invitae Variant Classification Sherloc (09022015). Collection method: clinical testing. Allele origin: germline.
Comment: This sequence change creates a premature translational stop signal (p.Gln61Argfs*2) in the MOCS2B gene. It is expected to result in an absent or disrupted protein product. Loss-of-function variants in MOCS2B are known to be pathogenic (PMID: 21031595). This variant is not present in population databases (gnomAD no frequency). This variant has not been reported in the literature in individuals affected with MOCS2B-related conditions. For these reasons, this variant has been classified as Pathogenic.

Literature cited by the submitters: PubMed 21031595 (cited by Labcorp Genetics (formerly Invitae), Labcorp).